The following is an entry in ClinVar:

NM_177438.3(DICER1):c.3603G>T (p.Gln1201His)

Gene: DICER1 (dicer 1, ribonuclease III; minus strand). Cytogenetic location: 14q32.13.
Variant type: single nucleotide variant.
Coding change: c.3603G>T on transcript NM_177438.3 (MANE Select); coding-DNA position 3603, G replaced by T.
Protein change: p.Gln1201His; replaces glutamine 1201 with histidine.
Molecular consequence: missense variant. On other transcripts: non-coding transcript variant (6).
Genome position (GRCh38, 1-based): chr14:95,103,793, C>A on the plus strand (G>T on the coding strand, the complement: DICER1 is on the minus strand). VCF-style: chr14-95103793-C-A. GRCh37 (hg19) VCF-style: chr14-95570130-C-A.
Other names: c.3603G>T, p.Gln1201His (NM_001195573.1, NM_001271282.3, NM_001291628.2 and 12 more transcripts); c.3321G>T, p.Gln1107His (NM_001395686.1); c.3198G>T, p.Gln1066His (NM_001395687.1, NM_001395688.1, NM_001395689.1 and 2 more transcripts); c.3036G>T, p.Gln1012His (NM_001395691.1); c.1920G>T, p.Gln640His (NM_001395697.1); short protein forms Q1107H, Q1012H, Q1066H, Q1201H, Q640H.
Identifiers: ClinVar variation 3501866 (VCV003501866.1).
Genomic context (GRCh38, chr14:95,103,793, plus strand): 5'-ATTCTGAATGGAATATGAGGTAGTTGGTTGCACGGGTATTTCCTGCTTGTAGTAATTTAG[C>A]TGATTTCCTTGGCAAAAGTCTCTGTTAGCTAAATCATAACTGCCATTGGCGAGATTTTGA-3'
Protein context (NP_803187.1, residues 1191-1211): LANRDFCQGN[Gln1201His]LNYYKQEIPV

ClinVar aggregate classification (germline): Uncertain significance (1 of 4 stars; one submission).

Conditions:
Hereditary cancer-predisposing syndrome. Also called: Tumor predisposition; Neoplastic Syndromes, Hereditary; Hereditary Cancer Syndrome; Hereditary neoplastic syndrome. Identifiers: Orphanet 140162, MedGen C0027672, MeSH D009386, MONDO:0015356.

Submission:

Ambry Genetics
Classification: Uncertain significance for Hereditary cancer-predisposing syndrome. Last evaluated: 2024-07-30. Review status: criteria provided, single submitter. Criteria: Ambry Variant Classification Scheme 2023. Collection method: clinical testing. Allele origin: germline.
Comment: The p.Q1201H variant (also known as c.3603G>T), located in coding exon 20 of the DICER1 gene, results from a G to T substitution at nucleotide position 3603. The glutamine at codon 1201 is replaced by histidine, an amino acid with highly similar properties. This amino acid position is conserved. In addition, this alteration is predicted to be tolerated by in silico analysis. Based on the available evidence, the clinical significance of this variant remains unclear.